The following is an entry in ClinVar:

NM_182961.4(SYNE1):c.7308C>T (p.Thr2436=)

Gene: SYNE1 (spectrin repeat containing nuclear envelope protein 1; minus strand). Cytogenetic location: 6q25.2.
Variant type: single nucleotide variant.
Coding change: c.7308C>T on transcript NM_182961.4 (MANE Select); coding-DNA position 7308, C replaced by T.
Protein change: p.Thr2436=; no amino-acid change (threonine 2436 retained).
Molecular consequence: synonymous variant.
Genome position (GRCh38, 1-based): chr6:152,398,661, G>A on the plus strand (C>T on the coding strand, the complement: SYNE1 is on the minus strand). VCF-style: chr6-152398661-G-A. GRCh37 (hg19) VCF-style: chr6-152719796-G-A.
Other names: p.Thr2443=; c.7329C>T, p.Thr2443= (NM_033071.5); c.7308C>T (NM_182961.2).
Identifiers: ClinVar variation 290605 (VCV000290605.22), dbSNP rs144910464, ClinGen allele CA4057852.

ClinVar aggregate classification (germline): Conflicting classifications of pathogenicity. Review status: criteria provided, conflicting classifications (1 of 4 stars). 7 submissions from 6 submitters: Uncertain significance (2); Likely benign (5). Last evaluated 2025-10-07.

Conditions:
Emery-Dreifuss muscular dystrophy 4, autosomal dominant (EDMD4). Also called: EMERY-DREIFUSS MUSCULAR DYSTROPHY 4 WITH VARIABLE FEATURES. Identifiers: Orphanet 261, MedGen C2751807, MONDO:0013071, OMIM 612998.
Autosomal recessive ataxia, Beauce type. Also called: Spinocerebellar ataxia, autosomal recessive 8; SYNE1-Related Autosomal Recessive Cerebellar Ataxia; SYNE1 Deficiency; ATAXIA, RECESSIVE, OF BEAUCE. Identifiers: Orphanet 88644, MedGen C1853116, MONDO:0012549, OMIM 610743.

Allele frequency attached by ClinVar (database versions not stated): gnomAD 0.00006 and 0.00008; TOPMed 0.00008; ESP Exome Variant Server 0.00023; 1000 Genomes Project 30x 0.00031; 1000 Genomes Project 0.00040.
gnomAD v4.1: 179 of 1,613,920 alleles (0.011%); highest among the groups gnomAD compares: African/African-American, 0.027%; no homozygotes.

Submissions (7):

Labcorp Genetics (formerly Invitae), Labcorp
Classification: Likely benign for Emery-Dreifuss muscular dystrophy 4, autosomal dominant; Autosomal recessive ataxia, Beauce type. Last evaluated: 2025-10-07. Review status: criteria provided, single submitter. Criteria: Invitae Variant Classification Sherloc (09022015). Collection method: clinical testing. Allele origin: germline.

Mayo Clinic Laboratories, Mayo Clinic
Classification: Likely benign. Last evaluated: 2025-01-23. Review status: criteria provided, single submitter. Criteria: ACMG Guidelines, 2015. Collection method: clinical testing. Allele origin: germline. Observed: 2 variant alleles.
Comment: BP4, BP7

Athena Diagnostics
Classification: Likely benign. Last evaluated: 2024-08-27. Review status: criteria provided, single submitter. Criteria: Athena Diagnostics Criteria. Collection method: clinical testing. Allele origin: unknown.

Blueprint Genetics
Classification: Likely benign. Last evaluated: 2024-03-12. Review status: criteria provided, single submitter. Criteria: ACMG Guidelines, 2015. Collection method: clinical testing. Allele origin: germline.

Eurofins Ntd Llc (ga)
Classification: Uncertain significance. Last evaluated: 2018-06-15. Review status: criteria provided, single submitter. Criteria: EGL ClinVar v180209 classification definitions. Collection method: clinical testing. Allele origin: germline. Observed: 2 variant alleles, 2 heterozygotes.

Illumina Laboratory Services, Illumina
Classification: Uncertain significance for Autosomal recessive ataxia, Beauce type. Last evaluated: 2018-01-13. Review status: criteria provided, single submitter. Criteria: ICSL Variant Classification Criteria 13 December 2019. Collection method: clinical testing. Allele origin: germline.

Illumina Laboratory Services, Illumina
Classification: Likely benign for Emery-Dreifuss muscular dystrophy 4, autosomal dominant. Last evaluated: 2018-01-13. Review status: criteria provided, single submitter. Criteria: ICSL Variant Classification Criteria 13 December 2019. Collection method: clinical testing. Allele origin: germline.
Comment: This variant was observed in the ICSL laboratory as part of a predisposition screen in an ostensibly healthy population. It had not been previously curated by ICSL or reported in the Human Gene Mutation Database (HGMD: prior to June 1st, 2018), and was therefore a candidate for classification through an automated scoring system. Utilizing variant allele frequency, disease prevalence and penetrance estimates, and inheritance mode, an automated score was calculated to assess if this variant is too frequent to cause the disease. Based on the score and internal cut-off values, a variant classified as likely benign is not then subjected to further curation. The score for this variant resulted in a classification of likely benign for this disease.